The following is an entry in ClinVar:

NM_000836.4(GRIN2D):c.1388G>A (p.Arg463Gln)

Gene: GRIN2D (glutamate ionotropic receptor NMDA type subunit 2D; plus strand). Cytogenetic location: 19q13.33.
Variant type: single nucleotide variant.
Coding change: c.1388G>A on transcript NM_000836.4 (MANE Select); coding-DNA position 1388, G replaced by A.
Protein change: p.Arg463Gln; replaces arginine 463 with glutamine.
Molecular consequence: missense variant.
Genome position (GRCh38, 1-based): chr19:48,414,560, G>A. VCF-style: chr19-48414560-G-A. GRCh37 (hg19) VCF-style: chr19-48917817-G-A.
Other names: short protein forms R463Q.
Identifiers: ClinVar variation 3009673 (VCV003009673.3), dbSNP rs1970918452, ClinGen allele CA406695475.

ClinVar aggregate classification (germline): Uncertain significance (1 of 4 stars; one submission).

gnomAD v4.1: 5 of 1,552,514 alleles (0.00032%); highest among the groups gnomAD compares: South Asian, 0.0047%; no homozygotes.

Submission:

Labcorp Genetics (formerly Invitae), Labcorp
Classification: Uncertain significance. Last evaluated: 2023-07-13. Review status: criteria provided, single submitter. Criteria: Invitae Variant Classification Sherloc (09022015). Collection method: clinical testing. Allele origin: germline.
Comment: This sequence change replaces arginine, which is basic and polar, with glutamine, which is neutral and polar, at codon 463 of the GRIN2D protein (p.Arg463Gln). This variant is not present in population databases (gnomAD no frequency). This variant has not been reported in the literature in individuals affected with GRIN2D-related conditions. In summary, the available evidence is currently insufficient to determine the role of this variant in disease. Therefore, it has been classified as a Variant of Uncertain Significance. An algorithm developed to predict the effect of missense changes on protein structure and function (PolyPhen-2) suggests that this variant is likely to be disruptive.